The following is an entry in ClinVar:

ClinVar aggregate classification (germline): Uncertain significance (1 of 4 stars; one submission).

Conditions:
Congenital contractural arachnodactyly (CCA). Also called: BEALS SYNDROME; Beals-Hecht syndrome; Arthrogryposis, distal, type 9. Identifiers: Orphanet 115, MedGen C0220668, MONDO:0007363, OMIM 121050.

Allele frequency attached by ClinVar (database versions not stated): gnomAD 0.00001.
gnomAD v4.1: 1 of 1,613,290 alleles (0.000062%); highest among the groups gnomAD compares: Non-Finnish European, 0.000085%; no homozygotes.

Submission:

Labcorp Genetics (formerly Invitae), Labcorp
Classification: Uncertain significance for Congenital contractural arachnodactyly. Last evaluated: 2018-12-03. Review status: criteria provided, single submitter. Criteria: Invitae Variant Classification Sherloc (09022015). Collection method: clinical testing. Allele origin: germline.
Comment: This sequence change replaces serine with arginine at codon 1904 of the FBN2 protein (p.Ser1904Arg). The serine residue is highly conserved and there is a moderate physicochemical difference between serine and arginine. This variant is not present in population databases (ExAC no frequency). This variant has not been reported in the literature in individuals with FBN2-related conditions. Algorithms developed to predict the effect of missense changes on protein structure and function (SIFT, PolyPhen-2, Align-GVGD) all suggest that this variant is likely to be disruptive, but these predictions have not been confirmed by published functional studies and their clinical significance is uncertain. In summary, the available evidence is currently insufficient to determine the role of this variant in disease. Therefore, it has been classified as a Variant of Uncertain Significance.

NM_001999.4(FBN2):c.5710A>C (p.Ser1904Arg)

Gene: FBN2 (fibrillin 2; minus strand). Cytogenetic location: 5q23.3.
Variant type: single nucleotide variant.
Coding change: c.5710A>C on transcript NM_001999.4 (MANE Select); coding-DNA position 5710, A replaced by C.
Protein change: p.Ser1904Arg; replaces serine 1904 with arginine.
Molecular consequence: missense variant.
Genome position (GRCh38, 1-based): chr5:128,305,047, T>G on the plus strand (A>C on the coding strand, the complement: FBN2 is on the minus strand). VCF-style: chr5-128305047-T-G. GRCh37 (hg19) VCF-style: chr5-127640739-T-G.
Other names: short protein forms S1904R.
Identifiers: ClinVar variation 662550 (VCV000662550.9), dbSNP rs1581202795, ClinGen allele CA360740035.
Genomic context (GRCh38, chr5:128,305,047, plus strand): 5'-TAAAGCCATTGTGGCAGATGCACTGGTAACTTCCTTGCAGATCAACACACAAGCCATGAC[T>G]GCAAACGTTAGGAATTTCTAAACATTCATTGCGATCTAAAACAGAAAAAAATAAATGTTA-3'
Protein context (NP_001990.2, residues 1894-1914): NECLEIPNVC[Ser1904Arg]HGLCVDLQGS